The following is an entry in ClinVar:

NM_001037.5(SCN1B):c.91G>T (p.Val31Leu)

Gene: SCN1B (sodium voltage-gated channel beta subunit 1; plus strand). Cytogenetic location: 19q13.11.
Variant type: single nucleotide variant.
Coding change: c.91G>T on transcript NM_001037.5 (MANE Select); coding-DNA position 91, G replaced by T.
Protein change: p.Val31Leu; replaces valine 31 with leucine.
Molecular consequence: missense variant. On other transcripts: 5 prime UTR variant (1).
Genome position (GRCh38, 1-based): chr19:35,032,578, G>T. VCF-style: chr19-35032578-G-T. GRCh37 (hg19) VCF-style: chr19-35523482-G-T.
Other names: c.-9G>T (NM_001321605.2); c.91G>T, p.Val31Leu (NM_199037.5); short protein forms V31L.
Identifiers: ClinVar variation 3950923 (VCV003950923.1).

ClinVar aggregate classification (germline): Uncertain significance (1 of 4 stars; one submission).

Conditions:
Cardiovascular phenotype. Identifiers: MedGen CN230736.

Submission:

Ambry Genetics
Classification: Uncertain significance for Cardiovascular phenotype. Last evaluated: 2025-04-05. Review status: criteria provided, single submitter. Criteria: Ambry Variant Classification Scheme 2023. Collection method: clinical testing. Allele origin: germline.
Comment: The p.V31L variant (also known as c.91G>T), located in coding exon 2 of the SCN1B gene, results from a G to T substitution at nucleotide position 91. The valine at codon 31 is replaced by leucine, an amino acid with highly similar properties. This amino acid position is conserved. In addition, the in silico prediction for this alteration is inconclusive. Based on the available evidence, the clinical significance of this variant remains unclear.